The following is an entry in ClinVar:

NM_001323289.2(CDKL5):c.1782T>G (p.Tyr594Ter)

Gene: CDKL5 (cyclin dependent kinase like 5; plus strand). Cytogenetic location: Xp22.13.
Variant type: single nucleotide variant.
Coding change: c.1782T>G on transcript NM_001323289.2 (MANE Select); coding-DNA position 1782, T replaced by G.
Protein change: p.Tyr594Ter; replaces tyrosine 594 with a stop codon.
Molecular consequence: nonsense.
Genome position (GRCh38, 1-based): chrX:18,604,706, T>G. VCF-style: chrX-18604706-T-G. GRCh37 (hg19) VCF-style: chrX-18622826-T-G.
Other names: NM_003159.3:c.1782T>G; c.1782T>G, p.Tyr594Ter (NM_001037343.2, NM_003159.3); short protein forms Y594*.
Identifiers: ClinVar variation 3343983 (VCV003343983.1).

ClinVar aggregate classification (germline): Likely pathogenic (1 of 4 stars; one submission).

Conditions:
CDKL5 disorder. Identifiers: MedGen CN296942, MONDO:0100039.

Submission:

Centre for Population Genomics, CPG
Classification: Likely pathogenic for CDKL5 disorder. Last evaluated: 2024-08-21. Review status: criteria provided, single submitter. Criteria: McKnight et al. (Hum Mutat. 2022). Collection method: curation. Allele origin: germline. Inheritance: X-linked inheritance.
Comment: This variant has been collected from RettBASE and curated to current modified ACMG/AMP criteria. Based on the classification scheme defined by the ClinGen Rett/Angelman-like Expert Panel for Rett/AS-like Disorders Specifications to the ACMG/AMP Variant Interpretation Guidelines VCEP 3.0, this variant is classified as likely pathogenic. At least the following criteria are met: Predicted to result in loss of function, and LOF is a known mechanism of disease (PVS1). This variant is absent from gnomAD v4 (PM2_Supporting).